The following is an entry in ClinVar:

NM_001378615.1(CC2D2A):c.3418_3425del (p.Ser1140fs)

Genes: CC2D2A (coiled-coil and C2 domain containing 2A; plus strand), FBXL5 (F-box and leucine rich repeat protein 5; minus strand). Cytogenetic location: 4p15.32.
Variant type: Deletion.
Coding change: c.3418_3425del on transcript NM_001378615.1 (MANE Select); coding-DNA positions 3418 to 3425, 8 bases deleted (AGCACAGC; older notation c.3418_3425delAGCACAGC).
Protein change: p.Ser1140fs; shifts the reading frame from serine 1140.
Molecular consequence: frameshift variant.
Genome position (GRCh38, 1-based): chr4:15,569,312-15,569,319, AGCACAGC deleted. VCF-style (leftmost placement, unchanged base first): chr4-15569311-TAGCACAGC-T. GRCh37 (hg19) VCF-style: chr4-15570934-TAGCACAGC-T.
Other names: c.3418_3425del, p.Ser1140fs (NM_001080522.2); c.3271_3278del, p.Ser1091fs (NM_001378617.1); short protein forms S1140fs, S1091fs.
Identifiers: ClinVar variation 2922594 (VCV002922594.4), dbSNP rs1560187743, ClinGen allele CA914912820.

ClinVar aggregate classification (germline): Pathogenic. Review status: criteria provided, multiple submitters, no conflicts (2 of 4 stars). 2 submissions from 2 submitters: Pathogenic (2). Last evaluated 2025-06-04.

Conditions:
Joubert syndrome and related disorders. Identifiers: Orphanet 140874, MedGen C5679612, MONDO:0015369.
Joubert syndrome. Also called: JOUBERT-BOLTSHAUSER SYNDROME; Familial aplasia of the vermis. Identifiers: Orphanet 475, MedGen C5979921, MONDO:0018772.
Meckel-Gruber syndrome. Also called: DYSENCEPHALIA SPLANCHNOCYSTICA; GRUBER SYNDROME; Dysencephalia splachnocystica. Identifiers: Orphanet 564, MedGen C0265215, MONDO:0018921.

Allele frequency attached by ClinVar (database versions not stated): gnomAD exomes below 0.00001; gnomAD 0.00001.

Submissions (2):

Labcorp Genetics (formerly Invitae), Labcorp
Classification: Pathogenic for Joubert syndrome; Meckel-Gruber syndrome. Last evaluated: 2025-06-04. Review status: criteria provided, single submitter. Criteria: Invitae Variant Classification Sherloc (09022015). Collection method: clinical testing. Allele origin: germline.
Comment: This sequence change creates a premature translational stop signal (p.Ser1140Glnfs*12) in the CC2D2A gene. It is expected to result in an absent or disrupted protein product. Loss-of-function variants in CC2D2A are known to be pathogenic (PMID: 19777577). This variant is not present in population databases (gnomAD no frequency). This variant has not been reported in the literature in individuals affected with CC2D2A-related conditions. ClinVar contains an entry for this variant (Variation ID: 2922594). For these reasons, this variant has been classified as Pathogenic.

Myriad Genetics, Inc.
Classification: Pathogenic for Joubert syndrome and related disorders. Last evaluated: 2024-09-23. Review status: criteria provided, single submitter. Criteria: Myriad Autosomal Dominant, Autosomal Recessive and X-Linked Classification Criteria (2023). Collection method: clinical testing. Allele origin: unknown.
Comment: NM_001080522.2(CC2D2A):c.3418_3425del8(S1140Qfs*12) is expected to be pathogenic in the context of CC2D2A-related disorders. This variant is predicted to lead to an abnormal or absent protein product due to the creation of a premature termination codon in CC2D2A, a gene where loss-of-function variants are known to be pathogenic. Please note: this variant was assessed in the context of healthy population screening.

Literature cited by the submitters: PubMed 19777577 (cited by Labcorp Genetics (formerly Invitae), Labcorp).